The following is an entry in ClinVar:

ClinVar aggregate classification (germline): Uncertain significance (1 of 4 stars; one submission).

gnomAD v4.1: 2 of 1,592,548 alleles (0.00013%); highest among the groups gnomAD compares: Non-Finnish European, 0.00017%; no homozygotes.

Submission:

Mayo Clinic Laboratories, Mayo Clinic
Classification: Uncertain significance. Last evaluated: 2023-10-25. Review status: criteria provided, single submitter. Criteria: ACMG Guidelines, 2015. Collection method: clinical testing. Allele origin: germline. Observed: 1 variant allele.
Comment: PM1, PM2_moderate

NM_002017.5(FLI1):c.835G>A (p.Gly279Arg)

Gene: FLI1 (Fli-1 proto-oncogene, ETS transcription factor; plus strand). Cytogenetic location: 11q24.3.
Variant type: single nucleotide variant.
Coding change: c.835G>A on transcript NM_002017.5 (MANE Select); coding-DNA position 835, G replaced by A.
Protein change: p.Gly279Arg; replaces glycine 279 with arginine.
Molecular consequence: missense variant.
Genome position (GRCh38, 1-based): chr11:128,810,464, G>A. VCF-style: chr11-128810464-G-A. GRCh37 (hg19) VCF-style: chr11-128680359-G-A.
Other names: p.Gly279Arg; c.736G>A, p.Gly246Arg (NM_001167681.3); c.637G>A, p.Gly213Arg (NM_001271010.2); c.256G>A, p.Gly86Arg (NM_001271012.2); short protein forms G213R, G246R, G279R, G86R.
Identifiers: ClinVar variation 3380057 (VCV003380057.1).